The following is an entry in ClinVar:

NM_001174147.2(LMX1B):c.559+2_559+10del

Gene: LMX1B (LIM homeobox transcription factor 1 beta; plus strand). Cytogenetic location: 9q33.3.
Variant type: Deletion.
Coding change: c.559+2_559+10del on transcript NM_001174147.2 (MANE Select); the canonical splice donor site of the intron after coding-DNA position 559 through 10 bases into the intron after coding-DNA position 559, 9 bases deleted (TGAGGCCTG; older notation c.559+2_559+10delTGAGGCCTG).
Molecular consequence: splice donor variant.
Genome position (GRCh38, 1-based): chr9:126,691,070-126,691,078, TGAGGCCTG deleted; deleting any 9 consecutive bases within chr9:126,691,069-126,691,078 gives the same sequence; the c. name uses the placement nearest the transcript's 3' end. VCF-style (leftmost placement, unchanged base first): chr9-126691068-GGTGAGGCCT-G. GRCh37 (hg19) VCF-style: chr9-129453347-GGTGAGGCCT-G.
Other names: c.559+2_559+10del (NM_001174146.2, NM_002316.4).
Identifiers: ClinVar variation 3727537 (VCV003727537.2).

ClinVar aggregate classification (germline): Likely pathogenic (1 of 4 stars; one submission).

Submission:

Labcorp Genetics (formerly Invitae), Labcorp
Classification: Likely pathogenic. Last evaluated: 2025-01-11. Review status: criteria provided, single submitter. Criteria: Invitae Variant Classification Sherloc (09022015). Collection method: clinical testing. Allele origin: germline.
Comment: This sequence change affects a splice site in intron 3 of the LMX1B gene. It is expected to disrupt RNA splicing. Variants that disrupt the donor or acceptor splice site typically lead to a loss of protein function (PMID: 16199547), and loss-of-function variants in LMX1B are known to be pathogenic (PMID: 9590287, 15498463). This variant is not present in population databases (gnomAD no frequency). This variant has not been reported in the literature in individuals affected with LMX1B-related conditions. Algorithms developed to predict the effect of sequence changes on RNA splicing suggest that this variant may disrupt the consensus splice site. In summary, the currently available evidence indicates that the variant is pathogenic, but additional data are needed to prove that conclusively. Therefore, this variant has been classified as Likely Pathogenic.

Literature cited by the submitters: PubMed 16199547; PubMed 9590287; PubMed 15498463.